The following is an entry in ClinVar:

NM_138694.4(PKHD1):c.6084G>A (p.Lys2028=)

Gene: PKHD1 (PKHD1 ciliary IPT domain containing fibrocystin/polyductin; minus strand). Cytogenetic location: 6p12.2.
Variant type: single nucleotide variant.
Coding change: c.6084G>A on transcript NM_138694.4 (MANE Select); coding-DNA position 6084, G replaced by A.
Protein change: p.Lys2028=; no amino-acid change (lysine 2028 retained).
Molecular consequence: synonymous variant.
Genome position (GRCh38, 1-based): chr6:51,934,147, C>T on the plus strand (G>A on the coding strand, the complement: PKHD1 is on the minus strand). VCF-style: chr6-51934147-C-T. GRCh37 (hg19) VCF-style: chr6-51798945-C-T.
Other names: c.6084G>A, p.Lys2028= (NM_170724.3); c.6084G>A (NM_138694.3).
Identifiers: ClinVar variation 1090158 (VCV001090158.10), dbSNP rs770405897, ClinGen allele CA3852353.

ClinVar aggregate classification (germline): Likely benign. Review status: criteria provided, single submitter (1 of 4 stars). 2 submissions from 2 submitters: Likely benign (1). 1 of the submissions does not count toward it. Last evaluated 2024-01-25.

Conditions:
Autosomal recessive polycystic kidney disease (ARPKD). Also called: AR polycystic kidney disease. Identifiers: Orphanet 731, Orphanet 8378, MedGen C0085548, MeSH D017044, MONDO:0009889.
PKHD1-related disorder. Also called: PKHD1-related condition.

Allele frequency attached by ClinVar (database versions not stated): gnomAD exomes below 0.00001; TOPMed below 0.00001; ExAC 0.00001; gnomAD 0.00001.
gnomAD v4.1: 4 of 1,613,922 alleles (0.00025%); highest among the groups gnomAD compares: East Asian, 0.0022%; no homozygotes.

Submissions (2):

Labcorp Genetics (formerly Invitae), Labcorp
Classification: Likely benign for Autosomal recessive polycystic kidney disease. Last evaluated: 2024-01-25. Review status: criteria provided, single submitter. Criteria: Invitae Variant Classification Sherloc (09022015). Collection method: clinical testing. Allele origin: germline.

PreventionGenetics, part of Exact Sciences
Classification: Likely benign for PKHD1-related condition. Last evaluated: 2024-08-08. Review status: no assertion criteria provided. Collection method: clinical testing. Allele origin: germline. Not counted in ClinVar's aggregate classification.
Comment: This variant is classified as likely benign based on ACMG/AMP sequence variant interpretation guidelines (Richards et al. 2015 PMID: 25741868, with internal and published modifications).